The following is an entry in ClinVar:

NM_001040142.2(SCN2A):c.4370T>A (p.Ile1457Asn)

Gene: SCN2A (sodium voltage-gated channel alpha subunit 2; plus strand). Cytogenetic location: 2q24.3.
Variant type: single nucleotide variant.
Coding change: c.4370T>A on transcript NM_001040142.2 (MANE Select); coding-DNA position 4370, T replaced by A.
Protein change: p.Ile1457Asn; replaces isoleucine 1457 with asparagine.
Molecular consequence: missense variant.
Genome position (GRCh38, 1-based): chr2:165,380,653, T>A. VCF-style: chr2-165380653-T-A. GRCh37 (hg19) VCF-style: chr2-166237163-T-A.
Other names: c.4370T>A (NM_021007.2); c.4370T>A, p.Ile1457Asn (NM_001040143.2, NM_001371246.1, NM_001371247.1 and 1 more transcripts); short protein forms I1457N.
Identifiers: ClinVar variation 2949850 (VCV002949850.4), dbSNP rs2468126481, ClinGen allele CA349033899.

ClinVar aggregate classification (germline): Uncertain significance. Review status: criteria provided, multiple submitters, no conflicts (2 of 4 stars). 2 submissions from 2 submitters: Uncertain significance (2). Last evaluated 2024-03-18.

Conditions:
Developmental and epileptic encephalopathy, 11 (DEE11). Also called: Early infantile epileptic encephalopathy 11. Identifiers: Orphanet 1934, MedGen C3150987, MONDO:0013388, OMIM 613721.
Seizures, benign familial infantile, 3 (BFIS3). Also called: Familial neonatal seizures; CONVULSIONS, BENIGN FAMILIAL INFANTILE, 3. Identifiers: Orphanet 140927, Orphanet 306, MedGen C1843140, MONDO:0011904, OMIM 607745.

Submissions (2):

GeneDx
Classification: Uncertain significance. Last evaluated: 2024-03-18. Review status: criteria provided, single submitter. Criteria: GeneDx Variant Classification Process June 2021. Collection method: clinical testing. Allele origin: germline. Affected: yes.
Comment: Not observed at significant frequency in large population cohorts (gnomAD); In silico analysis supports that this missense variant has a deleterious effect on protein structure/function; Has not been previously published as pathogenic or benign to our knowledge; This substitution is predicted to be within the transmembrane segment S6 of the third homologous domain

Labcorp Genetics (formerly Invitae), Labcorp
Classification: Uncertain significance for Seizures, benign familial infantile, 3; Developmental and epileptic encephalopathy, 11. Last evaluated: 2023-07-14. Review status: criteria provided, single submitter. Criteria: Invitae Variant Classification Sherloc (09022015). Collection method: clinical testing. Allele origin: germline.
Comment: In summary, the available evidence is currently insufficient to determine the role of this variant in disease. Therefore, it has been classified as a Variant of Uncertain Significance. Advanced modeling of protein sequence and biophysical properties (such as structural, functional, and spatial information, amino acid conservation, physicochemical variation, residue mobility, and thermodynamic stability) performed at Invitae indicates that this missense variant is expected to disrupt SCN2A protein function. This variant has not been reported in the literature in individuals affected with SCN2A-related conditions. This variant is not present in population databases (gnomAD no frequency). This sequence change replaces isoleucine, which is neutral and non-polar, with asparagine, which is neutral and polar, at codon 1457 of the SCN2A protein (p.Ile1457Asn).